The following is an entry in ClinVar:

NM_000038.6(APC):c.8107A>C (p.Lys2703Gln)

Gene: APC (APC regulator of WNT signaling pathway; plus strand). Cytogenetic location: 5q22.2.
Variant type: single nucleotide variant.
Coding change: c.8107A>C on transcript NM_000038.6 (MANE Select); coding-DNA position 8107, A replaced by C.
Protein change: p.Lys2703Gln; replaces lysine 2703 with glutamine.
Molecular consequence: missense variant. On other transcripts: non-coding transcript variant (2).
Genome position (GRCh38, 1-based): chr5:112,843,701, A>C. VCF-style: chr5-112843701-A-C. GRCh37 (hg19) VCF-style: chr5-112179398-A-C.
Other names: c.8107A>C, p.Lys2703Gln (NM_001127510.3, NM_001354895.2, NM_001407450.1); c.8053A>C, p.Lys2685Gln (NM_001127511.3); c.8161A>C, p.Lys2721Gln (NM_001354896.2, NM_001407447.1, NM_001407448.1 and 1 more transcripts); c.8137A>C, p.Lys2713Gln (NM_001354897.2); c.8032A>C, p.Lys2678Gln (NM_001354898.2); c.8023A>C, p.Lys2675Gln (NM_001354899.2); c.7984A>C, p.Lys2662Gln (NM_001354900.2); c.7930A>C, p.Lys2644Gln (NM_001354901.2, NM_001407453.1); and 11 more; short protein forms K2319Q, K2420Q, K2543Q, K2574Q, K2577Q, K2602Q, K2612Q, K2620Q.
Identifiers: ClinVar variation 3387119 (VCV003387119.1).

ClinVar aggregate classification (germline): Uncertain significance (1 of 4 stars; one submission).

Conditions:
Classic or attenuated familial adenomatous polyposis. Identifiers: MedGen CN372698, MONDO:0021057.

Submission:

All of Us Research Program, National Institutes of Health
Classification: Uncertain significance for Classic or attenuated familial adenomatous polyposis. Last evaluated: 2024-08-06. Review status: criteria provided, single submitter. Criteria: ACMG Guidelines, 2015. Collection method: clinical testing. Allele origin: germline. Inheritance: Autosomal dominant inheritance. Observed: 1 variant allele, 1 heterozygote.
Comment: This study involves interpretation of variants in research participants for the purpose of population health screening. Participant phenotype was not available at the time of variant classification. Additional details can be found in publication PMID: 35346344, PMCID: PMC8962531